The following is an entry in ClinVar:

NM_144631.6(ZNF513):c.593G>A (p.Arg198His)

Gene: ZNF513 (zinc finger protein 513; minus strand). Cytogenetic location: 2p23.3.
Variant type: single nucleotide variant.
Coding change: c.593G>A on transcript NM_144631.6 (MANE Select); coding-DNA position 593, G replaced by A.
Protein change: p.Arg198His; replaces arginine 198 with histidine.
Molecular consequence: missense variant.
Genome position (GRCh38, 1-based): chr2:27,378,673, C>T on the plus strand (G>A on the coding strand, the complement: ZNF513 is on the minus strand). VCF-style: chr2-27378673-C-T. GRCh37 (hg19) VCF-style: chr2-27601540-C-T.
Other names: c.407G>A, p.Arg136His (NM_001201459.2); short protein forms R198H, R136H.
Identifiers: ClinVar variation 1440500 (VCV001440500.8), dbSNP rs1275844359, ClinGen allele CA346218059.

ClinVar aggregate classification (germline): Uncertain significance (1 of 4 stars; one submission).

Allele frequency attached by ClinVar (database versions not stated): gnomAD exomes below 0.00001 and 0.00001.
gnomAD v4.1: 17 of 1,613,698 alleles (0.0011%); highest among the groups gnomAD compares: African/African-American, 0.0027%; no homozygotes.

Submission:

Labcorp Genetics (formerly Invitae), Labcorp
Classification: Uncertain significance. Last evaluated: 2021-04-02. Review status: criteria provided, single submitter. Criteria: Invitae Variant Classification Sherloc (09022015). Collection method: clinical testing. Allele origin: germline.
Comment: This sequence change replaces arginine with histidine at codon 198 of the ZNF513 protein (p.Arg198His). The arginine residue is highly conserved and there is a small physicochemical difference between arginine and histidine. In summary, the available evidence is currently insufficient to determine the role of this variant in disease. Therefore, it has been classified as a Variant of Uncertain Significance. Algorithms developed to predict the effect of missense changes on protein structure and function (SIFT, PolyPhen-2, Align-GVGD) all suggest that this variant is likely to be disruptive, but these predictions have not been confirmed by published functional studies and their clinical significance is uncertain. This variant has not been reported in the literature in individuals with ZNF513-related conditions. This variant is not present in population databases (ExAC no frequency).